The following is an entry in ClinVar:

ClinVar aggregate classification (germline): Pathogenic (1 of 4 stars; one submission).

Conditions:
Charlevoix-Saguenay spastic ataxia (SACS). Also called: AUTOSOMAL RECESSIVE SPASTIC ATAXIA OF CHARLEVOIX-SAGUENAY; Spastic ataxia of Charlevoix-Saguenay; SPASTIC ATAXIA 6, AUTOSOMAL RECESSIVE. Identifiers: Orphanet 98, MedGen C1849140, MONDO:0010041, OMIM 270550.

Submission:

Myriad Genetics, Inc.
Classification: Pathogenic for Charlevoix-Saguenay spastic ataxia. Last evaluated: 2026-05-03. Review status: criteria provided, single submitter. Criteria: Myriad Autosomal Dominant, Autosomal Recessive and X-Linked Classification Criteria (2023). Collection method: clinical testing. Allele origin: unknown.
Comment: NM_014363.4(SACS):c.1349delT(L450Yfs*28) is expected to be pathogenic in the context of autosomal recessive spastic ataxia of Charlevoix-Saguenay. This variant is predicted to lead to an abnormal or absent protein product due to the creation of a premature termination codon in SACS, a gene where loss-of-function variants are known to be pathogenic. Please note: this variant was assessed in the context of healthy population screening.

NM_014363.6(SACS):c.1349del (p.Leu450fs)

Gene: SACS (sacsin molecular chaperone; minus strand). Cytogenetic location: 13q12.12.
Variant type: Deletion.
Coding change: c.1349del on transcript NM_014363.6 (MANE Select); coding-DNA position 1349, one base deleted (T; older notation c.1349delT).
Protein change: p.Leu450fs; shifts the reading frame from leucine 450.
Molecular consequence: frameshift variant.
Genome position (GRCh38, 1-based): chr13:23,355,263, A deleted on the plus strand (T on the coding strand, the reverse complement: SACS is on the minus strand); the first of 3 consecutive A bases (chr13:23,355,263-23,355,265); deleting any one gives the same sequence. VCF-style (leftmost placement, unchanged base first): chr13-23355262-TA-T. GRCh37 (hg19) VCF-style: chr13-23929401-TA-T.
Other names: c.908del, p.Leu303fs (NM_001278055.2); c.1349del, p.Leu450fs (NM_001437336.1); short protein forms L303fs, L450fs.
Identifiers: ClinVar variation 5015865 (VCV005015865.1).
Genomic context (GRCh38, chr13:23,355,262, plus strand): 5'-AAGGCCAAAGAACCCACTGATGTGAACTGGGAGGCCTGTGCTGCTTTCCTCACCAGGTGG[TA>T]AAGGAAGGAAACAAAATGCTTTTCCTGAGAAATCAGACGTTGCTCCTTTTGCTTCATCAT-3'